The following is an entry in ClinVar:

ClinVar aggregate classification (germline): Benign (1 of 4 stars; one submission).

Submission:

Mayo Clinic Laboratories, Mayo Clinic
Classification: Benign. Last evaluated: 2024-11-22. Review status: criteria provided, single submitter. Criteria: ACMG Guidelines, 2015. Collection method: clinical testing. Allele origin: germline. Observed: 4 variant alleles.
Comment: BS1, BS2, BP4, BP7

NM_006111.3(ACAA2):c.16+17C>T

Genes: ACAA2 (acetyl-CoA acyltransferase 2; minus strand), LOC125371417 (Sharpr-MPRA regulatory region 2051; plus strand). Cytogenetic location: 18q21.1.
Variant type: single nucleotide variant.
Coding change: c.16+17C>T on transcript NM_006111.3 (MANE Select); 17 bases into the intron after coding-DNA position 16, C replaced by T.
Molecular consequence: intron variant.
Genome position (GRCh38, 1-based): chr18:49,813,452, G>A on the plus strand (C>T on the coding strand, the complement: ACAA2 is on the minus strand). VCF-style: chr18-49813452-G-A. GRCh37 (hg19) VCF-style: chr18-47339822-G-A.
Other names: p.?.
Identifiers: ClinVar variation 4684287 (VCV004684287.1).